The following is an entry in ClinVar:

ClinVar aggregate classification (germline): Likely benign (1 of 4 stars; one submission).

gnomAD v4.1: 218 of 1,614,128 alleles (0.014%); highest among the groups gnomAD compares: African/African-American, 0.029%; no homozygotes.

Submission:

CeGaT Center for Human Genetics Tuebingen
Classification: Likely benign. Last evaluated: 2026-06-01. Review status: criteria provided, single submitter. Criteria: CeGaT Center For Human Genetics Tuebingen Variant Classification Criteria Version 2. Collection method: clinical testing. Allele origin: germline. Affected: yes. Observed: 1 variant allele.
Comment: IGF2R: BP4, BP7

NM_000876.4(IGF2R):c.7164C>T (p.Asn2388=)

Gene: IGF2R (insulin like growth factor 2 receptor; plus strand). Cytogenetic location: 6q25.3.
Variant type: single nucleotide variant.
Coding change: c.7164C>T on transcript NM_000876.4 (MANE Select); coding-DNA position 7164, C replaced by T.
Protein change: p.Asn2388=; no amino-acid change (asparagine 2388 retained).
Molecular consequence: synonymous variant.
Genome position (GRCh38, 1-based): chr6:160,104,772, C>T. VCF-style: chr6-160104772-C-T. GRCh37 (hg19) VCF-style: chr6-160525804-C-T.
Identifiers: ClinVar variation 5038461 (VCV005038461.1).